The following is an entry in ClinVar:

NM_201384.3(PLEC):c.853C>T (p.Arg285Trp)

Gene: PLEC (plectin; minus strand). Cytogenetic location: 8q24.3.
Variant type: single nucleotide variant.
Coding change: c.853C>T on transcript NM_201384.3 (MANE Select); coding-DNA position 853, C replaced by T.
Protein change: p.Arg285Trp; replaces arginine 285 with tryptophan.
Molecular consequence: missense variant.
Genome position (GRCh38, 1-based): chr8:143,934,902, G>A on the plus strand (C>T on the coding strand, the complement: PLEC is on the minus strand). VCF-style: chr8-143934902-G-A. GRCh37 (hg19) VCF-style: chr8-145009070-G-A.
Other names: c.934C>T, p.Arg312Trp (NM_000445.5); c.811C>T, p.Arg271Trp (NM_201378.4); c.787C>T, p.Arg263Trp (NM_201379.3); c.1264C>T, p.Arg422Trp (NM_201380.4); c.757C>T, p.Arg253Trp (NM_201381.3); c.853C>T, p.Arg285Trp (NM_201382.4); c.865C>T, p.Arg289Trp (NM_201383.3); short protein forms R271W, R285W, R289W, R253W, R312W, R422W, R263W.
Identifiers: ClinVar variation 666131 (VCV000666131.32), dbSNP rs562600992, ClinGen allele CA4928274.

ClinVar aggregate classification (germline): Uncertain significance. Review status: criteria provided, multiple submitters, no conflicts (2 of 4 stars). 2 submissions from 2 submitters: Uncertain significance (2). Last evaluated 2025-09-07.

Conditions:
Autosomal recessive limb-girdle muscular dystrophy type 2Q (LGMDR17). Also called: MUSCULAR DYSTROPHY, LIMB-GIRDLE, AUTOSOMAL RECESSIVE 17. Identifiers: Orphanet 254361, MedGen C3150989, MONDO:0013390, OMIM 613723.
Epidermolysis bullosa simplex with nail dystrophy (EBS5D). Identifiers: MedGen C4225309, MONDO:0014661, OMIM 616487.
Epidermolysis bullosa simplex 5B, with muscular dystrophy (EBS5B). Also called: Epidermolysis bullosa simplex with muscular dystrophy; EPIDERMOLYSIS BULLOSA SIMPLEX AND LIMB-GIRDLE MUSCULAR DYSTROPHY. Identifiers: Orphanet 257, MedGen C2931072, MONDO:0009181, OMIM 226670.
Epidermolysis bullosa simplex, Ogna type (EBS5A). Also called: EPIDERMOLYSIS BULLOSA SIMPLEX 5A, OGNA TYPE; Pidermolysis bullosa simplex 5A, Ogna type. Identifiers: Orphanet 79401, MedGen C0432317, MONDO:0007555, OMIM 131950.
Epidermolysis bullosa simplex 5C, with pyloric atresia (EBS5C). Also called: PLEC-Related Epidermolysis Bullosa with Pyloric Atresia; PLEC1-Related Epidermolysis Bullosa with Pyloric Atresia; Epidermolysis bullosa simplex with pyloric atresia. Identifiers: Orphanet 158684, MedGen C2677349, MONDO:0012807, OMIM 612138.

Allele frequency attached by ClinVar (database versions not stated): gnomAD 0.00002 and 0.00001; gnomAD exomes 0.00003 and 0.00007; TOPMed 0.00004; ExAC 0.00007; 1000 Genomes Project 30x 0.00016; 1000 Genomes Project 0.00020.
gnomAD v4.1: 39 of 1,611,228 alleles (0.0024%); highest among the groups gnomAD compares: Admixed American, 0.03%; no homozygotes.

Submissions (2):

Labcorp Genetics (formerly Invitae), Labcorp
Classification: Uncertain significance for Autosomal recessive limb-girdle muscular dystrophy type 2Q; Epidermolysis bullosa simplex, Ogna type; Epidermolysis bullosa simplex with nail dystrophy; Epidermolysis bullosa simplex 5C, with pyloric atresia; Epidermolysis bullosa simplex 5B, with muscular dystrophy. Last evaluated: 2025-09-07. Review status: criteria provided, single submitter. Criteria: Invitae Variant Classification Sherloc (09022015). Collection method: clinical testing. Allele origin: germline.
Comment: This sequence change replaces arginine, which is basic and polar, with tryptophan, which is neutral and slightly polar, at codon 312 of the PLEC protein (p.Arg312Trp). This variant is present in population databases (rs562600992, gnomAD 0.04%). This variant has not been reported in the literature in individuals affected with PLEC-related conditions. ClinVar contains an entry for this variant (Variation ID: 666131). Experimental studies and prediction algorithms are not available or were not evaluated, and the functional significance of this variant is currently unknown. In summary, the available evidence is currently insufficient to determine the role of this variant in disease. Therefore, it has been classified as a Variant of Uncertain Significance.

CeGaT Center for Human Genetics Tuebingen
Classification: Uncertain significance. Last evaluated: 2022-05-01. Review status: criteria provided, single submitter. Criteria: CeGaT Center For Human Genetics Tuebingen Variant Classification Criteria Version 2. Collection method: clinical testing. Allele origin: germline. Affected: yes. Observed: 1 variant allele.
Comment: PLEC: PM2, BP4